The following is an entry in ClinVar:

ClinVar aggregate classification (germline): Uncertain significance (1 of 4 stars; one submission).

Conditions:
Dilated cardiomyopathy 1J (CMD1J). Also called: CARDIOMYOPATHY, DILATED, WITH SENSORINEURAL HEARING LOSS, AUTOSOMAL DOMINANT. Identifiers: Orphanet 217622, MedGen C1854368, MONDO:0011541, OMIM 605362.

Allele frequency attached by ClinVar (database versions not stated): gnomAD exomes below 0.00001.
gnomAD v4.1: 1 of 1,614,020 alleles (0.000062%); highest among the groups gnomAD compares: African/African-American, 0.0013%; no homozygotes.

Submission:

Labcorp Genetics (formerly Invitae), Labcorp
Classification: Uncertain significance for Dilated cardiomyopathy 1J. Last evaluated: 2026-01-26. Review status: criteria provided, single submitter. Criteria: Invitae Variant Classification Sherloc (09022015). Collection method: clinical testing. Allele origin: germline.
Comment: This sequence change replaces tyrosine, which is neutral and polar, with cysteine, which is neutral and slightly polar, at codon 169 of the EYA4 protein (p.Tyr169Cys). This variant is not present in population databases (gnomAD no frequency). This variant has not been reported in the literature in individuals affected with EYA4-related conditions. ClinVar contains an entry for this variant (Variation ID: 1347755). Invitae Evidence Modeling of protein sequence and biophysical properties (such as structural, functional, and spatial information, amino acid conservation, physicochemical variation, residue mobility, and thermodynamic stability) indicates that this missense variant is not expected to disrupt EYA4 protein function with a negative predictive value of 80%. In summary, the available evidence is currently insufficient to determine the role of this variant in disease. Therefore, it has been classified as a Variant of Uncertain Significance.

NM_004100.5(EYA4):c.506A>G (p.Tyr169Cys)

Gene: EYA4 (EYA transcriptional coactivator and phosphatase 4; plus strand). Cytogenetic location: 6q23.2.
Variant type: single nucleotide variant.
Coding change: c.506A>G on transcript NM_004100.5 (MANE Select); coding-DNA position 506, A replaced by G.
Protein change: p.Tyr169Cys; replaces tyrosine 169 with cysteine.
Molecular consequence: missense variant.
Genome position (GRCh38, 1-based): chr6:133,462,403, A>G. VCF-style: chr6-133462403-A-G. GRCh37 (hg19) VCF-style: chr6-133783541-A-G.
Other names: c.344A>G, p.Tyr115Cys (NM_001301012.2, NM_001370459.1); c.506A>G, p.Tyr169Cys (NM_001301013.2, NM_172105.4); c.437A>G, p.Tyr146Cys (NM_001370458.1, NM_172103.4); short protein forms Y146C, Y169C, Y115C.
Identifiers: ClinVar variation 1347755 (VCV001347755.8), dbSNP rs2128658614, ClinGen allele CA365697992.